The following is an entry in ClinVar:

ClinVar aggregate classification (germline): Conflicting classifications of pathogenicity. Review status: criteria provided, conflicting classifications (1 of 4 stars). 3 submissions from 3 submitters: Uncertain significance (1); Likely benign (1). 1 of the submissions does not count toward it. Last evaluated 2025-06-18.

Conditions:
XYLT1-related disorder. Also called: XYLT1-related condition.
Inborn genetic diseases. Identifiers: MedGen C0950123, MeSH D030342.
Desbuquois dysplasia 1 (DBQD1). Also called: MICROMELIC DWARFISM WITH VERTEBRAL AND METAPHYSEAL ABNORMALITIES AND ADVANCED CARPOTARSAL OSSIFICATION; DESBUQUOIS DYSPLASIA 1, KIM VARIANT. Identifiers: Orphanet 1425, MedGen C4012146, MONDO:0009629, OMIM 251450.

Allele frequency attached by ClinVar (database versions not stated): gnomAD exomes 0.00014 and 0.00020; ExAC 0.00072; gnomAD 0.00181 and 0.00191; 1000 Genomes Project 30x 0.00219; 1000 Genomes Project 0.00220.
gnomAD v4.1: 473 of 1,127,468 alleles (0.042%); highest among the groups gnomAD compares: African/African-American, 0.63%; no homozygotes.

Submissions (3):

Ambry Genetics
Classification: Likely benign for Inborn genetic diseases. Last evaluated: 2025-06-18. Review status: criteria provided, single submitter. Criteria: Ambry Variant Classification Scheme 2023. Collection method: clinical testing. Allele origin: germline.

Labcorp Genetics (formerly Invitae), Labcorp
Classification: Uncertain significance for Desbuquois dysplasia 1. Last evaluated: 2022-09-07. Review status: criteria provided, single submitter. Criteria: Invitae Variant Classification Sherloc (09022015). Collection method: clinical testing. Allele origin: germline.
Comment: This sequence change replaces alanine, which is neutral and non-polar, with valine, which is neutral and non-polar, at codon 20 of the XYLT1 protein (p.Ala20Val). The frequency data for this variant in the population databases is considered unreliable, as metrics indicate poor data quality at this position in the gnomAD database. This variant has not been reported in the literature in individuals affected with XYLT1-related conditions. ClinVar contains an entry for this variant (Variation ID: 1059264). Algorithms developed to predict the effect of missense changes on protein structure and function (SIFT, PolyPhen-2, Align-GVGD) all suggest that this variant is likely to be tolerated. In summary, the available evidence is currently insufficient to determine the role of this variant in disease. Therefore, it has been classified as a Variant of Uncertain Significance.

PreventionGenetics, part of Exact Sciences
Classification: Likely benign for XYLT1-related condition. Last evaluated: 2019-10-25. Review status: no assertion criteria provided. Collection method: clinical testing. Allele origin: germline. Not counted in ClinVar's aggregate classification.
Comment: This variant is classified as likely benign based on ACMG/AMP sequence variant interpretation guidelines (Richards et al. 2015 PMID: 25741868, with internal and published modifications).

NM_022166.4(XYLT1):c.59C>T (p.Ala20Val)

Gene: XYLT1 (xylosyltransferase 1; minus strand). Cytogenetic location: 16p12.3.
Variant type: single nucleotide variant.
Coding change: c.59C>T on transcript NM_022166.4 (MANE Select); coding-DNA position 59, C replaced by T.
Protein change: p.Ala20Val; replaces alanine 20 with valine.
Molecular consequence: missense variant.
Genome position (GRCh38, 1-based): chr16:17,470,738, G>A on the plus strand (C>T on the coding strand, the complement: XYLT1 is on the minus strand). VCF-style: chr16-17470738-G-A. GRCh37 (hg19) VCF-style: chr16-17564595-G-A.
Other names: c.59C>T (NM_022166.3); short protein forms A20V.
Identifiers: ClinVar variation 1059264 (VCV001059264.9), dbSNP rs568899945, ClinGen allele CA7928294.